The following is an entry in ClinVar:

NM_001563.4(IMPG1):c.1976A>T (p.Asp659Val)

Gene: IMPG1 (interphotoreceptor matrix proteoglycan 1; minus strand). Cytogenetic location: 6q14.1.
Variant type: single nucleotide variant.
Coding change: c.1976A>T on transcript NM_001563.4 (MANE Select); coding-DNA position 1976, A replaced by T.
Protein change: p.Asp659Val; replaces aspartic acid 659 with valine.
Molecular consequence: missense variant.
Genome position (GRCh38, 1-based): chr6:75,947,382, T>A on the plus strand (A>T on the coding strand, the complement: IMPG1 is on the minus strand). VCF-style: chr6-75947382-T-A. GRCh37 (hg19) VCF-style: chr6-76657099-T-A.
Other names: c.1742A>T, p.Asp581Val (NM_001282368.2); short protein forms D581V, D659V.
Identifiers: ClinVar variation 1389499 (VCV001389499.8), dbSNP rs2149456122, ClinGen allele CA364775161.

ClinVar aggregate classification (germline): Uncertain significance (1 of 4 stars; one submission).

gnomAD v4.1: 1 of 1,613,960 alleles (0.000062%); no homozygotes.

Submission:

Labcorp Genetics (formerly Invitae), Labcorp
Classification: Uncertain significance. Last evaluated: 2022-07-19. Review status: criteria provided, single submitter. Criteria: Invitae Variant Classification Sherloc (09022015). Collection method: clinical testing. Allele origin: germline.
Comment: In summary, the available evidence is currently insufficient to determine the role of this variant in disease. Therefore, it has been classified as a Variant of Uncertain Significance. Algorithms developed to predict the effect of sequence changes on RNA splicing suggest that this variant may create or strengthen a splice site. Algorithms developed to predict the effect of missense changes on protein structure and function (SIFT, PolyPhen-2, Align-GVGD) all suggest that this variant is likely to be disruptive. ClinVar contains an entry for this variant (Variation ID: 1389499). This variant has not been reported in the literature in individuals affected with IMPG1-related conditions. This variant is not present in population databases (gnomAD no frequency). This sequence change replaces aspartic acid, which is acidic and polar, with valine, which is neutral and non-polar, at codon 659 of the IMPG1 protein (p.Asp659Val).